The following is an entry in ClinVar:

NM_020461.4(TUBGCP6):c.1392G>T (p.Lys464Asn)

Gene: TUBGCP6 (tubulin gamma complex component 6; minus strand). Cytogenetic location: 22q13.33.
Variant type: single nucleotide variant.
Coding change: c.1392G>T on transcript NM_020461.4 (MANE Select); coding-DNA position 1392, G replaced by T.
Protein change: p.Lys464Asn; replaces lysine 464 with asparagine.
Molecular consequence: missense variant.
Genome position (GRCh38, 1-based): chr22:50,227,927, C>A on the plus strand (G>T on the coding strand, the complement: TUBGCP6 is on the minus strand). VCF-style: chr22-50227927-C-A. GRCh37 (hg19) VCF-style: chr22-50666356-C-A.
Other names: short protein forms K464N.
Identifiers: ClinVar variation 1937777 (VCV001937777.2), dbSNP rs770851377, ClinGen allele CA10308717.
Genomic context (GRCh38, chr22:50,227,927, plus strand): 5'-CCCGCAAAGTCCCCTGCTCAGCCGCCATGCTGAGGCTCACCTGAGCTGCCGGCCAAGTTT[C>A]TTGAAGAGAAAACCAATGGTGAGGAGGCTCAGGGTGGGCGGAGTGGAAAGGACGCAGGCC-3'
Protein context (NP_065194.3, residues 454-474): LSLLTIGFLF[Lys464Asn]KLGRQLRYLA

ClinVar aggregate classification (germline): Uncertain significance (1 of 4 stars; one submission).

Allele frequency attached by ClinVar (database versions not stated): gnomAD exomes 0.00001; TOPMed 0.00001; ExAC 0.00004.
gnomAD v4.1: 10 of 1,576,150 alleles (0.00063%); highest among the groups gnomAD compares: Non-Finnish European, 0.000086%; no homozygotes.

Submission:

Labcorp Genetics (formerly Invitae), Labcorp
Classification: Uncertain significance. Last evaluated: 2021-12-23. Review status: criteria provided, single submitter. Criteria: Invitae Variant Classification Sherloc (09022015). Collection method: clinical testing. Allele origin: germline.
Comment: This sequence change replaces lysine, which is basic and polar, with asparagine, which is neutral and polar, at codon 464 of the TUBGCP6 protein (p.Lys464Asn). The frequency data for this variant in the population databases is considered unreliable, as metrics indicate poor data quality at this position in the gnomAD database. This variant has not been reported in the literature in individuals affected with TUBGCP6-related conditions. Algorithms developed to predict the effect of missense changes on protein structure and function are either unavailable or do not agree on the potential impact of this missense change (SIFT: "Deleterious"; PolyPhen-2: "Possibly Damaging"; Align-GVGD: "Class C0"). In summary, the available evidence is currently insufficient to determine the role of this variant in disease. Therefore, it has been classified as a Variant of Uncertain Significance.